The following is an entry in ClinVar:

NM_001077653.2(TBX20):c.599T>C (p.Met200Thr)

Gene: TBX20 (T-box transcription factor 20; minus strand). Cytogenetic location: 7p14.2.
Variant type: single nucleotide variant.
Coding change: c.599T>C on transcript NM_001077653.2 (MANE Select); coding-DNA position 599, T replaced by C.
Protein change: p.Met200Thr; replaces methionine 200 with threonine.
Molecular consequence: missense variant.
Genome position (GRCh38, 1-based): chr7:35,245,004, A>G on the plus strand (T>C on the coding strand, the complement: TBX20 is on the minus strand). VCF-style: chr7-35245004-A-G. GRCh37 (hg19) VCF-style: chr7-35284616-A-G.
Other names: c.599T>C, p.Met200Thr (NM_001166220.1); short protein forms M200T.
Identifiers: ClinVar variation 1398868 (VCV001398868.12), dbSNP rs151183955, ClinGen allele CA4217460.

ClinVar aggregate classification (germline): Uncertain significance. Review status: criteria provided, multiple submitters, no conflicts (2 of 4 stars). 4 submissions from 4 submitters: Uncertain significance (4). Last evaluated 2026-03-10.

Conditions:
Cardiovascular phenotype. Identifiers: MedGen CN230736.
Atrial septal defect 4 (ASD4). Identifiers: Orphanet 1478, MedGen C1969657, MONDO:0012654, OMIM 611363.

Allele frequency attached by ClinVar (database versions not stated): gnomAD exomes 0.00001 and 0.00002; ExAC 0.00002; gnomAD 0.00004 and 0.00006; TOPMed 0.00008; ESP Exome Variant Server 0.00023.
gnomAD v4.1: 15 of 1,613,794 alleles (0.00093%); highest among the groups gnomAD compares: African/African-American, 0.019%; no homozygotes.

Submissions (4):

Ambry Genetics
Classification: Uncertain significance for Cardiovascular phenotype. Last evaluated: 2026-03-10. Review status: criteria provided, single submitter. Criteria: Ambry Variant Classification Scheme 2023. Collection method: clinical testing. Allele origin: germline.

Labcorp Genetics (formerly Invitae), Labcorp
Classification: Uncertain significance. Last evaluated: 2025-12-08. Review status: criteria provided, single submitter. Criteria: Invitae Variant Classification Sherloc (09022015). Collection method: clinical testing. Allele origin: germline.
Comment: This sequence change replaces methionine, which is neutral and non-polar, with threonine, which is neutral and polar, at codon 200 of the TBX20 protein (p.Met200Thr). This variant is present in population databases (rs151183955, gnomAD 0.02%). This variant has not been reported in the literature in individuals affected with TBX20-related conditions. ClinVar contains an entry for this variant (Variation ID: 1398868). Invitae Evidence Modeling of protein sequence and biophysical properties (such as structural, functional, and spatial information, amino acid conservation, physicochemical variation, residue mobility, and thermodynamic stability) indicates that this missense variant is not expected to disrupt TBX20 protein function with a negative predictive value of 80%. In summary, the available evidence is currently insufficient to determine the role of this variant in disease. Therefore, it has been classified as a Variant of Uncertain Significance.

Fulgent Genetics
Classification: Uncertain significance for Atrial septal defect 4. Last evaluated: 2021-12-07. Review status: criteria provided, single submitter. Criteria: ACMG Guidelines, 2015. Collection method: clinical testing. Allele origin: unknown.

Breakthrough Genomics
Classification: Uncertain significance. Review status: criteria provided, single submitter. Criteria: ACMG Guidelines, 2015. Collection method: not provided. Allele origin: germline. Inheritance: Unknown mechanism. Affected: yes.